The following is an entry in ClinVar:

NM_000018.4(ACADVL):c.997_998insT (p.Ala333fs)

Gene: ACADVL (acyl-CoA dehydrogenase very long chain; plus strand). Cytogenetic location: 17p13.1.
Variant type: Insertion.
Coding change: c.997_998insT on transcript NM_000018.4 (MANE Select); coding-DNA positions 997 to 998, T inserted.
Protein change: p.Ala333fs; shifts the reading frame from alanine 333.
Molecular consequence: frameshift variant.
Genome position: GRCh38 VCF-style: chr17-7222785-G-GT. GRCh37 (hg19) VCF-style: chr17-7126104-G-GT.
Other names: NM_001270448.2:c.769_770insT; c.931_932insT, p.Ala311fs (NM_001033859.3); c.1066_1067insT, p.Ala356fs (NM_001270447.2); c.769_770insT, p.Ala257fs (NM_001270448.2); short protein forms A356fs, A257fs, A311fs, A333fs.
Identifiers: ClinVar variation 2446890 (VCV002446890.1), dbSNP rs2508317962, ClinGen allele CA1139533037.
Genomic context (GRCh38, chr17:7,222,785, plus strand): 5'-GATGGAGTACGGGTGCCATCGGAGAACGTGCTGGGTGAGGTTGGGAGTGGCTTCAAGGTT[G>GT]CCATGCACATCCTCAACAATGGAAGGTTTGGCATGGCTGCGGCCCTGGCAGGTACCATGA-3'

ClinVar aggregate classification (germline): Pathogenic (3 of 4 stars; one submission).

Conditions:
Very long chain acyl-CoA dehydrogenase deficiency (ACADVLD). Also called: VLCAD Deficiency; Very Long-Chain Acyl-Coenzyme A Dehydrogenase Deficiency. Identifiers: Orphanet 26793, MedGen C3887523, MONDO:0008723, OMIM 201475.

Submission:

ClinGen ACADVL Variant Curation Expert Panel, ClinGen
Classification: Pathogenic for Very long chain acyl-CoA dehydrogenase deficiency. Last evaluated: 2023-03-28. Review status: reviewed by expert panel. Criteria: clingen acadvl acmg specifications v1. Collection method: curation. Allele origin: germline. Inheritance: Autosomal recessive inheritance.
Comment: The c.997_998insT (p.Ala333ValfsTer26) (NM_000018.4) variant in ACADVL is a frameshift variant predicted to cause a premature stop codon in biologically-relevant-exon 10/20 leading to nonsense mediated decay in a gene in which loss-of-function is an established disease mechanism (PVS1; PMIDs 9973285, 11590124). At least one patient with this variant displayed ꞵ-Oxidation Flux <20% of normal, which is highly specific for very long chain acyl-CoA dehydrogenase (VLCAD) deficiency (PP4_moderate, PMID:17999356). This variant is absent from gnomAD v2.1.1 (PM2_Supporting). In summary, this variant meets the criteria to be classified as pathogenic for autosomal recessive VLCAD deficiency based on the ACMG/AMP criteria applied, as specified by the ClinGen ACADVL Variant Curation Expert Panel: PVS1, PP4_moderate, PM2_supporting (ACADVL VCEP specifications version 1; approved November 8, 2021)